The following is an entry in ClinVar:

ClinVar aggregate classification (germline): Uncertain significance (1 of 4 stars; one submission).

Conditions:
Familial cancer of breast. Also called: hereditary breast carcinoma; BREAST CANCER, FAMILIAL; Hereditary breast cancer. Identifiers: Orphanet 227535, MedGen C0346153, MONDO:0016419, OMIM 114480. Disease mechanism: loss of function.

Submission:

Labcorp Genetics (formerly Invitae), Labcorp
Classification: Uncertain significance for Familial cancer of breast. Last evaluated: 2025-09-16. Review status: criteria provided, single submitter. Criteria: Invitae Variant Classification Sherloc (09022015). Collection method: clinical testing. Allele origin: germline.
Comment: This sequence change replaces asparagine, which is neutral and polar, with isoleucine, which is neutral and non-polar, at codon 185 of the CHEK2 protein (p.Asn185Ile). This variant is not present in population databases (gnomAD no frequency). This variant has not been reported in the literature in individuals affected with CHEK2-related conditions. An algorithm developed to predict the effect of missense changes on protein structure and function (PolyPhen-2) suggests that this variant is likely to be disruptive. In summary, the available evidence is currently insufficient to determine the role of this variant in disease. Therefore, it has been classified as a Variant of Uncertain Significance.

NM_007194.4(CHEK2):c.554A>T (p.Asn185Ile)

Gene: CHEK2 (checkpoint kinase 2; minus strand). Cytogenetic location: 22q12.1.
Variant type: single nucleotide variant.
Coding change: c.554A>T on transcript NM_007194.4 (MANE Select); coding-DNA position 554, A replaced by T.
Protein change: p.Asn185Ile; replaces asparagine 185 with isoleucine.
Molecular consequence: missense variant. On other transcripts: 5 prime UTR variant (2), intron variant (1).
Genome position (GRCh38, 1-based): chr22:28,725,015, T>A on the plus strand (A>T on the coding strand, the complement: CHEK2 is on the minus strand). VCF-style: chr22-28725015-T-A. GRCh37 (hg19) VCF-style: chr22-29121003-T-A.
Other names: c.683A>T, p.Asn228Ile (NM_001005735.3, NM_001438294.1); c.-224A>T (NM_001257387.3); c.-110A>T (NM_001437942.1); c.647A>T, p.Asn216Ile (NM_001438293.1, NM_001438295.1); c.554A>T, p.Asn185Ile (NM_145862.3); c.445-92A>T (NM_001349956.3); short protein forms N216I, N185I, N228I.
Identifiers: ClinVar variation 4712393 (VCV004712393.1).